The following is an entry in ClinVar:

ClinVar aggregate classification (germline): Conflicting classifications of pathogenicity. Review status: criteria provided, conflicting classifications (1 of 4 stars). 13 submissions from 13 submitters: Uncertain significance (4); Benign (2); Likely benign (4). 3 of the submissions do not count toward it. Last evaluated 2026-09-21.

Conditions:
Connective tissue disorder. Also called: Connective tissue disease. Identifiers: MedGen C0009782, MONDO:0003900.
MYH11-related disorder. Also called: MYH11-related condition.
Familial thoracic aortic aneurysm and aortic dissection (TAAD). Also called: Thoracic aortic aneurysms and dissections. Identifiers: Orphanet 91387, MedGen C4707243, MONDO:0019625.
Aortic aneurysm, familial thoracic 4 (AAT4). Also called: AORTIC ANEURYSM/AORTIC DISSECTION AND PATENT DUCTUS ARTERIOSUS. Identifiers: MedGen C1851504, MONDO:0007568, OMIM 132900.

Allele frequency attached by ClinVar (database versions not stated): gnomAD exomes 0.00017 and 0.00031; gnomAD 0.00021; ESP Exome Variant Server 0.00023; TOPMed 0.00023; ExAC 0.00026.
gnomAD v4.1: 299 of 1,613,908 alleles (0.019%); highest among the groups gnomAD compares: Middle Eastern, 0.033%; 1 homozygote.

Submissions (13):

Molecular Diagnostic Laboratory for Inherited Cardiovascular Disease, Montreal Heart Institute
Classification: Likely benign. Last evaluated: 2026-09-21. Review status: criteria provided, single submitter. Criteria: ACMG Guidelines, 2015. Collection method: clinical testing. Allele origin: germline. Affected: no.
Comment: BS1

Women's Health and Genetics/Laboratory Corporation of America, LabCorp
Classification: Likely benign. Last evaluated: 2026-06-14. Review status: criteria provided, single submitter. Criteria: LabCorp Variant Classification Summary - May 2015. Collection method: clinical testing. Allele origin: germline.

Labcorp Genetics (formerly Invitae), Labcorp
Classification: Benign for Aortic aneurysm, familial thoracic 4. Last evaluated: 2026-02-03. Review status: criteria provided, single submitter. Criteria: Invitae Variant Classification Sherloc (09022015). Collection method: clinical testing. Allele origin: germline.

CeGaT Center for Human Genetics Tuebingen
Classification: Uncertain significance. Last evaluated: 2024-02-01. Review status: criteria provided, single submitter. Criteria: CeGaT Center For Human Genetics Tuebingen Variant Classification Criteria Version 2. Collection method: clinical testing. Allele origin: germline. Affected: yes. Observed: 1 variant allele.
Comment: MYH11: PP3

ARUP Laboratories, Molecular Genetics and Genomics, ARUP Laboratories
Classification: Uncertain significance. Last evaluated: 2023-02-07. Review status: criteria provided, single submitter. Criteria: ARUP Molecular Germline Variant Investigation Process 2024. Collection method: clinical testing. Allele origin: germline.
Comment: The MYH11 c.217A>C; p.Lys73Gln variant (rs147447269), to our knowledge, is not reported in the medical literature but is reported in ClinVar (Variation ID: 201095). This variant is found in the general population with an overall allele frequency of 0.0283% (80/282,844 alleles) in the Genome Aggregation Database. Computational analyses are uncertain whether this variant is neutral or deleterious (REVEL: 0.688). Due to limited information, the clinical significance of this variant is uncertain at this time.

Ambry Genetics
Classification: Likely benign for Familial thoracic aortic aneurysm and aortic dissection. Last evaluated: 2019-11-20. Review status: criteria provided, single submitter. Criteria: Ambry Variant Classification Scheme 2023. Collection method: clinical testing. Allele origin: germline.

Center for Human Genetics, Inc
Classification: Uncertain significance for Connective tissue disorder. Last evaluated: 2018-06-01. Review status: criteria provided, single submitter. Criteria: ACMG Guidelines, 2015. Collection method: clinical testing. Allele origin: germline. Affected: yes.

Color Diagnostics, LLC DBA Color Health
Classification: Benign for Familial thoracic aortic aneurysm and aortic dissection. Last evaluated: 2018-04-28. Review status: criteria provided, single submitter. Criteria: ACMG Guidelines, 2015. Collection method: clinical testing. Allele origin: germline.

GeneDx
Classification: Likely benign. Last evaluated: 2018-02-15. Review status: criteria provided, single submitter. Criteria: GeneDx Variant Classification (06012015). Collection method: clinical testing. Allele origin: germline. Affected: yes.
Comment: This variant is considered likely benign or benign based on one or more of the following criteria: it is a conservative change, it occurs at a poorly conserved position in the protein, it is predicted to be benign by multiple in silico algorithms, and/or has population frequency not consistent with disease.

Illumina Laboratory Services, Illumina
Classification: Uncertain significance for Aortic aneurysm, familial thoracic 4. Last evaluated: 2018-01-12. Review status: criteria provided, single submitter. Criteria: ICSL Variant Classification Criteria 13 December 2019. Collection method: clinical testing. Allele origin: germline.

PreventionGenetics, part of Exact Sciences
Classification: Likely benign for MYH11-related condition. Last evaluated: 2020-01-20. Review status: no assertion criteria provided. Collection method: clinical testing. Allele origin: germline. Not counted in ClinVar's aggregate classification.
Comment: This variant is classified as likely benign based on ACMG/AMP sequence variant interpretation guidelines (Richards et al. 2015 PMID: 25741868, with internal and published modifications).

Genome Diagnostics Laboratory, University Medical Center Utrecht
Classification: Uncertain significance. Review status: no assertion criteria provided. Collection method: clinical testing. Allele origin: germline. Affected: yes. Study: VKGL Data-share Consensus. Not counted in ClinVar's aggregate classification.

Laboratory of Diagnostic Genome Analysis, Leiden University Medical Center (LUMC)
Classification: Uncertain significance. Review status: no assertion criteria provided. Collection method: clinical testing. Allele origin: germline. Affected: yes. Study: VKGL Data-share Consensus. Not counted in ClinVar's aggregate classification.

NM_002474.3(MYH11):c.217A>C (p.Lys73Gln)

Gene: MYH11 (myosin heavy chain 11; minus strand). Cytogenetic location: 16p13.11.
Variant type: single nucleotide variant.
Coding change: c.217A>C on transcript NM_002474.3 (MANE Select); coding-DNA position 217, A replaced by C.
Protein change: p.Lys73Gln; replaces lysine 73 with glutamine.
Molecular consequence: missense variant.
Genome position (GRCh38, 1-based): chr16:15,838,036, T>G on the plus strand (A>C on the coding strand, the complement: MYH11 is on the minus strand). VCF-style: chr16-15838036-T-G. GRCh37 (hg19) VCF-style: chr16-15931893-T-G.
Other names: p.K73Q:AAA>CAA; c.217A>C, p.Lys73Gln (NM_001040113.2, NM_001040114.2, NM_022844.3); short protein forms K73Q.
Identifiers: ClinVar variation 201095 (VCV000201095.49), dbSNP rs147447269, ClinGen allele CA306628.